The following is an entry in ClinVar:

NM_004046.6(ATP5F1A):c.1268C>A (p.Thr423Asn)

Gene: ATP5F1A (ATP synthase F1 subunit alpha; minus strand). Cytogenetic location: 18q21.1.
Variant type: single nucleotide variant.
Coding change: c.1268C>A on transcript NM_004046.6 (MANE Select); coding-DNA position 1268, C replaced by A.
Protein change: p.Thr423Asn; replaces threonine 423 with asparagine.
Molecular consequence: missense variant.
Genome position (GRCh38, 1-based): chr18:46,086,403, G>T on the plus strand (C>A on the coding strand, the complement: ATP5F1A is on the minus strand). VCF-style: chr18-46086403-G-T. GRCh37 (hg19) VCF-style: chr18-43666369-G-T.
Other names: c.1268C>A, p.Thr423Asn (NM_001001937.2); c.1202C>A, p.Thr401Asn (NM_001257334.2); c.1118C>A, p.Thr373Asn (NM_001257335.2, NM_001001935.3); short protein forms T373N, T401N, T423N.
Identifiers: ClinVar variation 4540188 (VCV004540188.1).

ClinVar aggregate classification (germline): Uncertain significance (1 of 4 stars; one submission).

Submission:

GeneDx
Classification: Uncertain significance. Last evaluated: 2025-06-23. Review status: criteria provided, single submitter. Criteria: GeneDx Variant Classification Process June 2021. Collection method: clinical testing. Allele origin: germline. Affected: yes.
Comment: Not observed at significant frequency in large population cohorts (gnomAD); In silico analysis supports that this missense variant has a deleterious effect on protein structure/function; Has not been previously published as pathogenic or benign to our knowledge